The following is an entry in ClinVar:

NM_014874.4(MFN2):c.1208T>G (p.Phe403Cys)

Gene: MFN2 (mitofusin 2; plus strand). Cytogenetic location: 1p36.22.
Variant type: single nucleotide variant.
Coding change: c.1208T>G on transcript NM_014874.4 (MANE Select); coding-DNA position 1208, T replaced by G.
Protein change: p.Phe403Cys; replaces phenylalanine 403 with cysteine.
Molecular consequence: missense variant.
Genome position (GRCh38, 1-based): chr1:12,004,039, T>G. VCF-style: chr1-12004039-T-G. GRCh37 (hg19) VCF-style: chr1-12064096-T-G.
Other names: c.1208T>G, p.Phe403Cys (NM_001127660.2); c.1208T>G (NM_014874.3); short protein forms F403C.
Identifiers: ClinVar variation 1394163 (VCV001394163.7), dbSNP rs769905428, ClinGen allele CA599051.

ClinVar aggregate classification (germline): Uncertain significance. Review status: criteria provided, multiple submitters, no conflicts (2 of 4 stars). 2 submissions from 2 submitters: Uncertain significance (2). Last evaluated 2026-01-11.

Conditions:
Inborn genetic diseases. Identifiers: MedGen C0950123, MeSH D030342.
Charcot-Marie-Tooth disease type 2. Also called: Charcot-Marie-Tooth type 2. Identifiers: Orphanet 64746, MedGen C0270914, MONDO:0018993.

Allele frequency attached by ClinVar (database versions not stated): gnomAD exomes 0.00001 and 0.00002; gnomAD 0.00001; TOPMed below 0.00001; ExAC 0.00001.
gnomAD v4.1: 27 of 1,613,966 alleles (0.0017%); highest among the groups gnomAD compares: Admixed American, 0.0067%; no homozygotes.

Submissions (2):

Labcorp Genetics (formerly Invitae), Labcorp
Classification: Uncertain significance for Charcot-Marie-Tooth disease type 2. Last evaluated: 2026-01-11. Review status: criteria provided, single submitter. Criteria: Invitae Variant Classification Sherloc (09022015). Collection method: clinical testing. Allele origin: germline.
Comment: This sequence change replaces phenylalanine, which is neutral and non-polar, with cysteine, which is neutral and slightly polar, at codon 403 of the MFN2 protein (p.Phe403Cys). This variant is present in population databases (rs769905428, gnomAD 0.006%). This variant has not been reported in the literature in individuals affected with MFN2-related conditions. ClinVar contains an entry for this variant (Variation ID: 1394163). Invitae Evidence Modeling of protein sequence and biophysical properties (such as structural, functional, and spatial information, amino acid conservation, physicochemical variation, residue mobility, and thermodynamic stability) has been performed for this missense variant. However, the output from this modeling did not meet the statistical confidence thresholds required to predict the impact of this variant on MFN2 protein function. In summary, the available evidence is currently insufficient to determine the role of this variant in disease. Therefore, it has been classified as a Variant of Uncertain Significance.

Ambry Genetics
Classification: Uncertain significance for Inborn genetic diseases. Last evaluated: 2025-08-14. Review status: criteria provided, single submitter. Criteria: Ambry Variant Classification Scheme 2023. Collection method: clinical testing. Allele origin: germline.